The following is an entry in ClinVar:

ClinVar aggregate classification (germline): Uncertain significance (1 of 4 stars; one submission).

Allele frequency attached by ClinVar (database versions not stated): TOPMed below 0.00001; ExAC 0.00001; gnomAD 0.00001; gnomAD exomes 0.00001; 1000 Genomes Project 30x 0.00016; 1000 Genomes Project 0.00020.
gnomAD v4.1: 16 of 1,613,528 alleles (0.00099%); highest among the groups gnomAD compares: African/African-American, 0.011%; no homozygotes.

Submission:

Labcorp Genetics (formerly Invitae), Labcorp
Classification: Uncertain significance. Last evaluated: 2022-06-03. Review status: criteria provided, single submitter. Criteria: Invitae Variant Classification Sherloc (09022015). Collection method: clinical testing. Allele origin: germline.
Comment: This sequence change replaces arginine, which is basic and polar, with glutamine, which is neutral and polar, at codon 1722 of the CAD protein (p.Arg1722Gln). This variant is present in population databases (rs183562830, gnomAD 0.007%). This variant has not been reported in the literature in individuals affected with CAD-related conditions. Algorithms developed to predict the effect of missense changes on protein structure and function are either unavailable or do not agree on the potential impact of this missense change (SIFT: "Deleterious"; PolyPhen-2: "Possibly Damaging"; Align-GVGD: "Class C0"). In summary, the available evidence is currently insufficient to determine the role of this variant in disease. Therefore, it has been classified as a Variant of Uncertain Significance.

NM_004341.5(CAD):c.5165G>A (p.Arg1722Gln)

Gene: CAD (carbamoyl-phosphate synthetase 2, aspartate transcarbamylase, and dihydroorotase; plus strand). Cytogenetic location: 2p23.3.
Variant type: single nucleotide variant.
Coding change: c.5165G>A on transcript NM_004341.5 (MANE Select); coding-DNA position 5165, G replaced by A.
Protein change: p.Arg1722Gln; replaces arginine 1722 with glutamine.
Molecular consequence: missense variant.
Genome position (GRCh38, 1-based): chr2:27,239,144, G>A. VCF-style: chr2-27239144-G-A. GRCh37 (hg19) VCF-style: chr2-27462012-G-A.
Other names: c.4976G>A, p.Arg1659Gln (NM_001306079.2); short protein forms R1722Q, R1659Q.
Identifiers: ClinVar variation 1982600 (VCV001982600.1), dbSNP rs183562830, ClinGen allele CA1573767.